The following is an entry in ClinVar:

ClinVar aggregate classification (germline): Uncertain significance. Review status: criteria provided, multiple submitters, no conflicts (2 of 4 stars). 2 submissions from 2 submitters: Uncertain significance (2). Last evaluated 2023-05-08.

Conditions:
Hereditary cancer-predisposing syndrome. Also called: Hereditary neoplastic syndrome; Neoplastic Syndromes, Hereditary; Tumor predisposition; Hereditary Cancer Syndrome. Identifiers: Orphanet 140162, MedGen C0027672, MeSH D009386, MONDO:0015356.

Submissions (2):

Color Diagnostics, LLC DBA Color Health
Classification: Uncertain significance for Hereditary cancer-predisposing syndrome. Last evaluated: 2023-05-08. Review status: criteria provided, single submitter. Criteria: ACMG Guidelines, 2015. Collection method: clinical testing. Allele origin: germline.
Comment: This variant causes a deletion of 4 nucleotides and insertion of 1 new nucleotide, resulting in the in-frame deletion of a Serine in the APC protein. To our knowledge, functional studies have not been reported for this variant. This variant has not been reported in individuals affected with APC-related disorders in the literature. This variant has not been identified in the general population by the Genome Aggregation Database (gnomAD). The available evidence is insufficient to determine the role of this variant in disease conclusively. Therefore, this variant is classified as a Variant of Uncertain Significance.

GeneDx
Classification: Uncertain significance. Last evaluated: 2015-11-27. Review status: criteria provided, single submitter. Criteria: GeneDx Variant Classification (06012015). Collection method: clinical testing. Allele origin: germline. Affected: yes.
Comment: This in-frame deletion of 4 nucleotides and insertion of one in APC is denoted c.315_318delCCGTinsA at the cDNA level and p.Ser105del (S105del) at the protein level. The normal sequence, with the bases that are deleted in braces, is CAAG[CCGT][A]TCTG. This deletion of a single Serine residue occurs at a position that is conserved across species and is not located in a known functional domain (Azzopardi 2008). This variant has not, to our knowledge, been published in the literature as pathogenic or benign. Since in-frame deletions may or may not inhibit proper protein functioning, the clinical significance of this finding remains unclear at this time and we consider APC Ser105del to be a variant of uncertain significance.

NM_000038.6(APC):c.315_318delinsA (p.Ser105del)

Gene: APC (APC regulator of Wnt signaling pathway; plus strand). Cytogenetic location: 5q22.2.
Variant type: Indel.
Coding change: c.315_318delinsA on transcript NM_000038.6 (MANE Select); coding-DNA positions 315 to 318, CCGT replaced by A.
Protein change: p.Ser105del; deletes serine 105.
Molecular consequence: inframe deletion. On other transcripts: 5 prime UTR variant (1).
Genome position (GRCh38, 1-based): chr5:112,767,283-112,767,286, CCGT replaced by A. VCF-style: chr5-112767283-CCGT-A. GRCh37 (hg19) VCF-style: chr5-112102980-CCGT-A.
Other names: c.315_318delinsA, p.Ser105del (NM_001127510.3, NM_001354895.2, NM_001354896.2 and 2 more transcripts); c.345_348delinsA, p.Ser115del (NM_001127511.3, NM_001354897.2, NM_001354902.2); c.240_243delinsA, p.Ser80del (NM_001354898.2, NM_001354904.2); c.138_141delinsA, p.Ser46del (NM_001354900.2, NM_001354901.2, NM_001354905.2); c.-721_-718delinsA (NM_001354906.2); short protein forms S115del, S80del, S105del, S46del.
Identifiers: ClinVar variation 246181 (VCV000246181.4), dbSNP rs879254143, ClinGen allele CA10584234.